The following is an entry in ClinVar:

NM_001029883.3(PCARE):c.1951C>T (p.Pro651Ser)

Gene: PCARE (photoreceptor cilium actin regulator; minus strand). Cytogenetic location: 2p23.2.
Variant type: single nucleotide variant.
Coding change: c.1951C>T on transcript NM_001029883.3 (MANE Select); coding-DNA position 1951, C replaced by T.
Protein change: p.Pro651Ser; replaces proline 651 with serine.
Molecular consequence: missense variant.
Genome position (GRCh38, 1-based): chr2:29,072,311, G>A on the plus strand (C>T on the coding strand, the complement: PCARE is on the minus strand). VCF-style: chr2-29072311-G-A. GRCh37 (hg19) VCF-style: chr2-29295177-G-A.
Other names: short protein forms P651S.
Identifiers: ClinVar variation 938144 (VCV000938144.6), dbSNP rs200233657, ClinGen allele CA1592316.

ClinVar aggregate classification (germline): Conflicting classifications of pathogenicity. Review status: criteria provided, conflicting classifications (1 of 4 stars). 3 submissions from 3 submitters: Uncertain significance (2); Benign (1). Last evaluated 2025-06-29.

Conditions:
PCARE-related disorder. Also called: PCARE-related condition.

Allele frequency attached by ClinVar (database versions not stated): gnomAD exomes 0.00002 and 0.00007; ExAC 0.00010; gnomAD 0.00037 and 0.00041; TOPMed 0.00042; ESP Exome Variant Server 0.00064.
gnomAD v4.1: 99 of 1,614,054 alleles (0.0061%); highest among the groups gnomAD compares: African/African-American, 0.11%; no homozygotes.

Submissions (3):

PreventionGenetics, part of Exact Sciences
Classification: Uncertain significance for PCARE-related condition. Last evaluated: 2025-06-29. Review status: criteria provided, single submitter. Criteria: ACMG Guidelines, 2015. Collection method: clinical testing. Allele origin: germline.
Comment: The PCARE c.1951C>T variant is predicted to result in the amino acid substitution p.Pro651Ser. To our knowledge, this variant has not been reported in the literature. This variant is present in 0.12% of alleles in individuals of African descent in gnomAD. Although we suspect that this variant may be benign, at this time, the clinical significance of this variant is uncertain due to the absence of conclusive functional and genetic evidence.

Blueprint Genetics
Classification: Benign. Last evaluated: 2023-06-03. Review status: criteria provided, single submitter. Criteria: ACMG Guidelines, 2015. Collection method: clinical testing. Allele origin: germline.

Labcorp Genetics (formerly Invitae), Labcorp
Classification: Uncertain significance. Last evaluated: 2022-09-13. Review status: criteria provided, single submitter. Criteria: Invitae Variant Classification Sherloc (09022015). Collection method: clinical testing. Allele origin: germline.
Comment: This sequence change replaces proline, which is neutral and non-polar, with serine, which is neutral and polar, at codon 651 of the PCARE protein (p.Pro651Ser). This variant is present in population databases (rs200233657, gnomAD 0.1%). This variant has not been reported in the literature in individuals affected with PCARE-related conditions. ClinVar contains an entry for this variant (Variation ID: 938144). Algorithms developed to predict the effect of missense changes on protein structure and function output the following: SIFT: "Tolerated"; PolyPhen-2: "Benign"; Align-GVGD: "Class C0". The serine amino acid residue is found in multiple mammalian species, which suggests that this missense change does not adversely affect protein function. In summary, the available evidence is currently insufficient to determine the role of this variant in disease. Therefore, it has been classified as a Variant of Uncertain Significance.